The following is an entry in ClinVar:

NM_000138.5(FBN1):c.4816G>A (p.Asp1606Asn)

Gene: FBN1 (fibrillin 1; minus strand). Cytogenetic location: 15q21.1.
Variant type: single nucleotide variant.
Coding change: c.4816G>A on transcript NM_000138.5 (MANE Select); coding-DNA position 4816, G replaced by A.
Protein change: p.Asp1606Asn; replaces aspartic acid 1606 with asparagine.
Molecular consequence: missense variant.
Genome position (GRCh38, 1-based): chr15:48,465,790, C>T on the plus strand (G>A on the coding strand, the complement: FBN1 is on the minus strand). VCF-style: chr15-48465790-C-T. GRCh37 (hg19) VCF-style: chr15-48757987-C-T.
Other names: short protein forms D1606N.
Identifiers: ClinVar variation 858489 (VCV000858489.9), dbSNP rs2043315819, ClinGen allele CA392351527.

ClinVar aggregate classification (germline): Uncertain significance (1 of 4 stars; one submission).

Conditions:
Familial thoracic aortic aneurysm and aortic dissection (TAAD). Also called: Thoracic aortic aneurysms and dissections. Identifiers: Orphanet 91387, MedGen C4707243, MONDO:0019625.
Marfan syndrome (MFS). Also called: FBN1-Related Marfan Syndrome; Marfan's syndrome; MARFAN SYNDROME, TYPE I; Marfan syndrome type 1; Marfan syndrome, classic. Identifiers: Orphanet 284963, Orphanet 558, MedGen C0024796, MONDO:0007947, OMIM 154700.

Submission:

Labcorp Genetics (formerly Invitae), Labcorp
Classification: Uncertain significance for Marfan syndrome; Familial thoracic aortic aneurysm and aortic dissection. Last evaluated: 2019-12-24. Review status: criteria provided, single submitter. Criteria: Invitae Variant Classification Sherloc (09022015). Collection method: clinical testing. Allele origin: germline.
Comment: In summary, the available evidence is currently insufficient to determine the role of this variant in disease. Therefore, it has been classified as a Variant of Uncertain Significance. Nucleotide substitutions within the consensus splice site are a relatively common cause of aberrant splicing (PMID: 17576681, 9536098). Algorithms developed to predict the effect of sequence changes on RNA splicing suggest that this variant may disrupt the consensus splice site, but this prediction has not been confirmed by published transcriptional studies. Algorithms developed to predict the effect of missense changes on protein structure and function are either unavailable or do not agree on the potential impact of this missense change (SIFT: "Deleterious"; PolyPhen-2: "Probably Damaging"; Align-GVGD: "Class C15"). This variant has been observed in individual(s) with clinical features of Marfan syndrome (PMID: 27906200, Invitae). This variant is not present in population databases (ExAC no frequency). This sequence change replaces aspartic acid with asparagine at codon 1606 of the FBN1 protein (p.Asp1606Asn). The aspartic acid residue is highly conserved and there is a small physicochemical difference between aspartic acid and asparagine. This variant also falls at the last nucleotide of exon 39 of the FBN1 coding sequence, which is part of the consensus splice site for this exon.

Literature cited by the submitters: PubMed 17576681; PubMed 9536098; PubMed 27906200.